The following is an entry in ClinVar:

ClinVar aggregate classification (germline): Uncertain significance (1 of 4 stars; one submission).

Allele frequency attached by ClinVar (database versions not stated): gnomAD exomes below 0.00001 and 0.00001; TOPMed below 0.00001; gnomAD 0.00001.
gnomAD v4.1: 4 of 1,560,014 alleles (0.00026%); highest among the groups gnomAD compares: Admixed American, 0.0036%; no homozygotes.

Submission:

Labcorp Genetics (formerly Invitae), Labcorp
Classification: Uncertain significance. Last evaluated: 2021-10-13. Review status: criteria provided, single submitter. Criteria: Invitae Variant Classification Sherloc (09022015). Collection method: clinical testing. Allele origin: germline.
Comment: In summary, the available evidence is currently insufficient to determine the role of this variant in disease. Therefore, it has been classified as a Variant of Uncertain Significance. Algorithms developed to predict the effect of missense changes on protein structure and function are either unavailable or do not agree on the potential impact of this missense change (SIFT: "Not Available"; PolyPhen-2: "Benign"; Align-GVGD: "Not Available"). This variant has not been reported in the literature in individuals affected with NPPC-related conditions. The frequency data for this variant in the population databases is considered unreliable, as metrics indicate insufficient coverage at this position in the ExAC database. This sequence change replaces valine with aspartic acid at codon 31 of the NPPC protein (p.Val31Asp). The valine residue is moderately conserved and there is a large physicochemical difference between valine and aspartic acid.

NM_024409.4(NPPC):c.92T>A (p.Val31Asp)

Gene: NPPC (natriuretic peptide C; minus strand). Cytogenetic location: 2q37.1.
Variant type: single nucleotide variant.
Coding change: c.92T>A on transcript NM_024409.4 (MANE Select); coding-DNA position 92, T replaced by A.
Protein change: p.Val31Asp; replaces valine 31 with aspartic acid.
Molecular consequence: missense variant.
Genome position (GRCh38, 1-based): chr2:231,925,714, A>T on the plus strand (T>A on the coding strand, the complement: NPPC is on the minus strand). VCF-style: chr2-231925714-A-T. GRCh37 (hg19) VCF-style: chr2-232790424-A-T.
Other names: short protein forms V31D.
Identifiers: ClinVar variation 1422399 (VCV001422399.6), dbSNP rs1172521607, ClinGen allele CA351150384.